The following is an entry in ClinVar:

NM_020207.7(ERCC6L2):c.50T>C (p.Ile17Thr)

Gene: ERCC6L2 (ERCC excision repair 6 like 2; plus strand). Cytogenetic location: 9q22.32.
Variant type: single nucleotide variant.
Coding change: c.50T>C on transcript NM_020207.7 (MANE Select); coding-DNA position 50, T replaced by C.
Protein change: p.Ile17Thr; replaces isoleucine 17 with threonine.
Molecular consequence: missense variant. On other transcripts: non-coding transcript variant (1).
Genome position (GRCh38, 1-based): chr9:95,880,872, T>C. VCF-style: chr9-95880872-T-C. GRCh37 (hg19) VCF-style: chr9-98643154-T-C.
Other names: c.50T>C, p.Ile17Thr (NM_001010895.4, NM_001375291.1, NM_001375292.1 and 2 more transcripts); short protein forms I17T.
Identifiers: ClinVar variation 4827694 (VCV004827694.1).

ClinVar aggregate classification (germline): Uncertain significance (1 of 4 stars; one submission).

Conditions:
Inborn genetic diseases. Identifiers: MedGen C0950123, MeSH D030342.

Submission:

Ambry Genetics
Classification: Uncertain significance for Inborn genetic diseases. Last evaluated: 2026-03-13. Review status: criteria provided, single submitter. Criteria: Ambry Variant Classification Scheme 2023. Collection method: clinical testing. Allele origin: germline.
Comment: The p.I17T variant (also known as c.50T>C), located in coding exon 2 of the ERCC6L2 gene, results from a T to C substitution at nucleotide position 50. The isoleucine at codon 17 is replaced by threonine, an amino acid with similar properties. This amino acid position is conserved. In addition, this alteration is predicted to be tolerated by in silico analysis. Based on the available evidence, the clinical significance of this variant remains unclear.